The following is an entry in ClinVar:

ClinVar aggregate classification (germline): Pathogenic. Review status: criteria provided, multiple submitters, no conflicts (2 of 4 stars). 2 submissions from 2 submitters: Pathogenic (2). Last evaluated 2025-09-29.

Conditions:
Cardiovascular phenotype. Identifiers: MedGen CN230736.
Hereditary cancer-predisposing syndrome. Also called: Tumor predisposition; Hereditary neoplastic syndrome; Hereditary Cancer Syndrome; Neoplastic Syndromes, Hereditary. Identifiers: Orphanet 140162, MedGen C0027672, MeSH D009386, MONDO:0015356.

Submissions (2):

Labcorp Genetics (formerly Invitae), Labcorp
Classification: Pathogenic. Last evaluated: 2025-09-29. Review status: criteria provided, single submitter. Criteria: Invitae Variant Classification Sherloc (09022015). Collection method: clinical testing. Allele origin: germline.
Comment: This sequence change creates a premature translational stop signal (p.Glu217Argfs*35) in the LZTR1 gene. It is expected to result in an absent or disrupted protein product. Loss-of-function variants in LZTR1 are known to be pathogenic (PMID: 24362817, 25335493, 25480913, 25795793, 29469822, 30368668, 30442762, 30442766, 30481304, 30859559). This variant is not present in population databases (gnomAD no frequency). This variant has not been reported in the literature in individuals affected with LZTR1-related conditions. ClinVar contains an entry for this variant (Variation ID: 2980234). For these reasons, this variant has been classified as Pathogenic.

Ambry Genetics
Classification: Pathogenic for Cardiovascular phenotype; Hereditary cancer-predisposing syndrome. Last evaluated: 2025-05-30. Review status: criteria provided, single submitter. Criteria: Ambry Variant Classification Scheme 2023. Collection method: clinical testing. Allele origin: germline.
Comment: The c.649delG pathogenic mutation, located in coding exon 7 of the LZTR1 gene, results from a deletion of one nucleotide at nucleotide position 649, causing a translational frameshift with a predicted alternate stop codon (p.E217Rfs*35). This alteration is expected to result in loss of function by premature protein truncation or nonsense-mediated mRNA decay. Loss-of-function variants in LZTR1 are related to an increased risk for schwannomas and autosomal recessive Noonan syndrome; however, such associations with autosomal dominant Noonan syndrome have not been observed (Piotrowski A et al. Nat Genet. 2014 Feb;46:182-7; Yamamoto GL et al. J Med Genet. 2015 Jun;52:413-21; Johnston JJ et al. Genet Med. 2018 10;20:1175-1185). Based on the supporting evidence, this variant is pathogenic for an increased risk of LZTR1-related schwannomatosis (SWN) and would be expected to cause autosomal recessive Noonan syndrome when present along with a second pathogenic or likely pathogenic variant on the other allele; however, the association of this alteration with autosomal dominant Noonan syndrome is unlikely.

Literature cited by the submitters: PubMed 24362817 (cited by Labcorp Genetics (formerly Invitae), Labcorp); PubMed 25335493 (cited by Labcorp Genetics (formerly Invitae), Labcorp); PubMed 25480913 (cited by Labcorp Genetics (formerly Invitae), Labcorp); PubMed 25795793 (cited by Labcorp Genetics (formerly Invitae), Labcorp); PubMed 29469822 (cited by Labcorp Genetics (formerly Invitae), Labcorp); PubMed 30368668 (cited by Labcorp Genetics (formerly Invitae), Labcorp); PubMed 30442762 (cited by Labcorp Genetics (formerly Invitae), Labcorp); PubMed 30442766 (cited by Labcorp Genetics (formerly Invitae), Labcorp); PubMed 30481304 (cited by Labcorp Genetics (formerly Invitae), Labcorp); PubMed 30859559 (cited by Labcorp Genetics (formerly Invitae), Labcorp).

NM_006767.4(LZTR1):c.649del (p.Glu217fs)

Gene: LZTR1 (leucine zipper like post translational regulator 1; plus strand). Cytogenetic location: 22q11.21.
Variant type: Deletion.
Coding change: c.649del on transcript NM_006767.4 (MANE Select); coding-DNA position 649, one base deleted (G; older notation c.649delG).
Protein change: p.Glu217fs; shifts the reading frame from glutamic acid 217.
Molecular consequence: frameshift variant.
Genome position (GRCh38, 1-based): chr22:20,989,680, G deleted; the last of 2 consecutive G bases (chr22:20,989,679-20,989,680); deleting either gives the same sequence. VCF-style (leftmost placement, unchanged base first): chr22-20989678-AG-A. GRCh37 (hg19) VCF-style: chr22-21343967-AG-A.
Other names: c.649delG (NM_006767.3); short protein forms E217fs.
Identifiers: ClinVar variation 2980234 (VCV002980234.4), dbSNP rs1924526245, ClinGen allele CA1024228375.
Genomic context (GRCh38, chr22:20,989,678, plus strand): 5'-AATACAGGTTGAATGACATGTGGACAATTGGCCTCCAGGACCGAGAGCTCACCTGCTGGG[AG>A]GAGGTGAGGGGCGTGGGGAGCCAGGGCGCAGGTAGAGGAGGTGAGGGGCACGGGGAGCCA-3'